The following is an entry in ClinVar:

ClinVar aggregate classification (germline): Likely pathogenic. Review status: criteria provided, multiple submitters, no conflicts (2 of 4 stars). 6 submissions from 6 submitters: Likely pathogenic (6). Last evaluated 2026-08-12.

Conditions:
Inborn genetic diseases. Identifiers: MedGen C0950123, MeSH D030342.
Cardiomyopathy (CMYO). Also called: Cardiomyopathies. Identifiers: Orphanet 167848, MedGen C0878544, MONDO:0004994, HP:0001638. Inheritance: Various modes of inheritance.
Hypertrophic cardiomyopathy 4. Also called: Familial hypertrophic cardiomyopathy 4. Identifiers: MedGen C1861862, MONDO:0007268, OMIM 115197.
Hypertrophic cardiomyopathy. Also called: HYPERTROPHIC MYOCARDIOPATHY. Identifiers: Orphanet 217569, MedGen C0007194, MeSH D002312, MONDO:0005045, HP:0001639.

Submissions (6):

Clinical Genetics Laboratory, Skane University Hospital Lund
Classification: Likely pathogenic for Hypertrophic cardiomyopathy 4. Last evaluated: 2026-08-12. Review status: criteria provided, single submitter. Criteria: ACMG Guidelines, 2015. Collection method: clinical testing. Allele origin: maternal, germline. Inheritance: Autosomal dominant inheritance. Affected: no.
Comment: PVS1_Strong, PS1_Supporting, PS4_Supporting, PM2_Supporting.

Labcorp Genetics (formerly Invitae), Labcorp
Classification: Likely pathogenic for Hypertrophic cardiomyopathy. Last evaluated: 2025-09-27. Review status: criteria provided, single submitter. Criteria: Invitae Variant Classification Sherloc (09022015). Collection method: clinical testing. Allele origin: germline.
Comment: This sequence change affects an acceptor splice site in intron 25 of the MYBPC3 gene. It is expected to disrupt RNA splicing. Variants that disrupt the donor or acceptor splice site typically lead to a loss of protein function (PMID: 16199547), and loss-of-function variants in MYBPC3 are known to be pathogenic (PMID: 19574547). This variant is not present in population databases (gnomAD no frequency). Disruption of this splice site has been observed in individual(s) with hypertrophic cardiomyopathy (PMID: 25351510, 27532257, 30297972, 37652022; internal data). ClinVar contains an entry for this variant (Variation ID: 419380). Algorithms developed to predict the effect of sequence changes on RNA splicing suggest that this variant may disrupt the consensus splice site. In summary, the currently available evidence indicates that the variant is pathogenic, but additional data are needed to prove that conclusively. Therefore, this variant has been classified as Likely Pathogenic.

GeneDx
Classification: Likely pathogenic. Last evaluated: 2024-09-10. Review status: criteria provided, single submitter. Criteria: GeneDx Variant Classification Process June 2021. Collection method: clinical testing. Allele origin: germline. Affected: yes.
Comment: Canonical splice site variant predicted to result in an in-frame loss of the adjacent exon in a gene for which loss of function is a known mechanism of disease; Not observed at significant frequency in large population cohorts (gnomAD); This variant is associated with the following publications: (PMID: 25351510, 30297972, 37652022, 27532257)

Clinical Genetics Laboratory, Region Ostergotland
Classification: Likely pathogenic for Hypertrophic cardiomyopathy 4. Last evaluated: 2024-04-05. Review status: criteria provided, single submitter. Criteria: ACMG Guidelines, 2015. Collection method: clinical testing. Allele origin: germline. Affected: yes. Observed: 1 variant allele, 1 heterozygote.
Comment: The following ACMG/AMP criteria were applied in classifying this variant: PVS1_strong, PM2

CHEO Genetics Diagnostic Laboratory, Children's Hospital of Eastern Ontario
Classification: Likely pathogenic for Cardiomyopathy. Last evaluated: 2019-08-26. Review status: criteria provided, single submitter. Criteria: ACMG Guidelines, 2015. Collection method: clinical testing. Allele origin: germline.

Ambry Genetics
Classification: Likely pathogenic for Inborn genetic diseases. Last evaluated: 2016-09-08. Review status: criteria provided, single submitter. Criteria: Ambry exome assertion method (8-5-2015). Collection method: clinical testing. Allele origin: germline. Affected: yes. Observed: 1 variant allele.

Literature cited by the submitters: PubMed 16199547 (cited by Labcorp Genetics (formerly Invitae), Labcorp); PubMed 19574547 (cited by Labcorp Genetics (formerly Invitae), Labcorp); PubMed 25351510 (cited by Labcorp Genetics (formerly Invitae), Labcorp); PubMed 27532257 (cited by Labcorp Genetics (formerly Invitae), Labcorp); PubMed 30297972 (cited by Labcorp Genetics (formerly Invitae), Labcorp); PubMed 37652022 (cited by Labcorp Genetics (formerly Invitae), Labcorp).

NM_000256.3(MYBPC3):c.2603-1G>C

Gene: MYBPC3 (myosin binding protein C3; minus strand). Cytogenetic location: 11p11.2.
Variant type: single nucleotide variant.
Coding change: c.2603-1G>C on transcript NM_000256.3 (MANE Select); the canonical splice acceptor site of the intron before coding-DNA position 2603, G replaced by C.
Molecular consequence: splice acceptor variant.
Genome position (GRCh38, 1-based): chr11:47,336,012, C>G on the plus strand (G>C on the coding strand, the complement: MYBPC3 is on the minus strand). VCF-style: chr11-47336012-C-G. GRCh37 (hg19) VCF-style: chr11-47357563-C-G.
Identifiers: ClinVar variation 419380 (VCV000419380.18), dbSNP rs977277400, ClinGen allele CA16619337.
Genomic context (GRCh38, chr11:47,336,012, plus strand): 5'-GGGAGACCGTGGTGTCAGAGACGTCCTCTACTGCCAGGTGGGTGGGTTCGCTGGGGGGAC[C>G]TGGGCAGAGGAGAGGTCAGAGAGGGGTCTGAGCAAGCCTGGGGAAGCTGGAGATCCATGC-3'